The following is an entry in ClinVar:

ClinVar aggregate classification (germline): Uncertain significance (1 of 4 stars; one submission).

Conditions:
Intellectual developmental disorder, autosomal dominant 44, with microcephaly. Also called: Micrognathia-recurrent infections-behavioral abnormalities-mild intellectual disability syndrome; TRIO-Related Intellectual Disability. Identifiers: Orphanet 476126, MedGen C4310740, MONDO:0014892, OMIM 617061.

Submission:

Baylor Genetics
Classification: Uncertain significance for Intellectual developmental disorder, autosomal dominant 44, with microcephaly. Last evaluated: 2018-10-05. Review status: criteria provided, single submitter. Criteria: ACMG Guidelines, 2015. Collection method: clinical testing. Allele origin: unknown. Affected: yes.
Comment: This variant was determined to be of uncertain significance according to ACMG Guidelines, 2015 [PMID:25741868].

NM_007118.4(TRIO):c.4241T>C (p.Leu1414Ser)

Gene: TRIO (trio Rho guanine nucleotide exchange factor; plus strand). Cytogenetic location: 5p15.2.
Variant type: single nucleotide variant.
Coding change: c.4241T>C on transcript NM_007118.4 (MANE Select); coding-DNA position 4241, T replaced by C.
Protein change: p.Leu1414Ser; replaces leucine 1414 with serine.
Molecular consequence: missense variant. On other transcripts: non-coding transcript variant (1).
Genome position (GRCh38, 1-based): chr5:14,394,060, T>C. VCF-style: chr5-14394060-T-C. GRCh37 (hg19) VCF-style: chr5-14394169-T-C.
Other names: short protein forms L1414S.
Identifiers: ClinVar variation 1031709 (VCV001031709.1), dbSNP rs1747347943, ClinGen allele CA359232790.